The following is an entry in ClinVar:

ClinVar aggregate classification (germline): Uncertain significance. Review status: criteria provided, multiple submitters, no conflicts (2 of 4 stars). 3 submissions from 3 submitters: Uncertain significance (3). Last evaluated 2024-12-07.

Conditions:
Charcot-Marie-Tooth disease type 2. Also called: Charcot-Marie-Tooth type 2. Identifiers: Orphanet 64746, MedGen C0270914, MONDO:0018993.
Developmental and epileptic encephalopathy, 29 (DEE29). Also called: Epileptic encephalopathy, early infantile, 29. Identifiers: Orphanet 442835, MedGen C4225361, MONDO:0014593, OMIM 616339.

Allele frequency attached by ClinVar (database versions not stated): gnomAD exomes below 0.00001 and 0.00001.
gnomAD v4.1: 3 of 1,614,118 alleles (0.00019%); highest among the groups gnomAD compares: Middle Eastern, 0.016%; no homozygotes.

Submissions (3):

Labcorp Genetics (formerly Invitae), Labcorp
Classification: Uncertain significance for Charcot-Marie-Tooth disease type 2. Last evaluated: 2024-12-07. Review status: criteria provided, single submitter. Criteria: Invitae Variant Classification Sherloc (09022015). Collection method: clinical testing. Allele origin: germline.
Comment: This sequence change replaces tyrosine, which is neutral and polar, with cysteine, which is neutral and slightly polar, at codon 25 of the AARS protein (p.Tyr25Cys). This variant is present in population databases (no rsID available, gnomAD 0.0009%). This variant has not been reported in the literature in individuals affected with AARS-related conditions. ClinVar contains an entry for this variant (Variation ID: 1029358). Invitae Evidence Modeling of protein sequence and biophysical properties (such as structural, functional, and spatial information, amino acid conservation, physicochemical variation, residue mobility, and thermodynamic stability) has been performed for this missense variant. However, the output from this modeling did not meet the statistical confidence thresholds required to predict the impact of this variant on AARS protein function. In summary, the available evidence is currently insufficient to determine the role of this variant in disease. Therefore, it has been classified as a Variant of Uncertain Significance.

GeneDx
Classification: Uncertain significance. Last evaluated: 2019-08-27. Review status: criteria provided, single submitter. Criteria: GeneDx Variant Classification Process June 2021. Collection method: clinical testing. Allele origin: germline. Affected: yes.
Comment: Not observed at a significant frequency in large population cohorts (Lek et al., 2016); In silico analysis, which includes protein predictors and evolutionary conservation, supports a deleterious effect; Has not been previously published as pathogenic or benign to our knowledge

Baylor Genetics
Classification: Uncertain significance for Developmental and epileptic encephalopathy, 29. Last evaluated: 2019-07-24. Review status: criteria provided, single submitter. Criteria: ACMG Guidelines, 2015. Collection method: clinical testing. Allele origin: unknown. Affected: yes.
Comment: This variant was determined to be of uncertain significance according to ACMG Guidelines, 2015 [PMID:25741868].

NM_001605.3(AARS1):c.74A>G (p.Tyr25Cys)

Gene: AARS1 (alanyl-tRNA synthetase 1; minus strand). Cytogenetic location: 16q22.1.
Variant type: single nucleotide variant.
Coding change: c.74A>G on transcript NM_001605.3 (MANE Select); coding-DNA position 74, A replaced by G.
Protein change: p.Tyr25Cys; replaces tyrosine 25 with cysteine.
Molecular consequence: missense variant.
Genome position (GRCh38, 1-based): chr16:70,282,690, T>C on the plus strand (A>G on the coding strand, the complement: AARS1 is on the minus strand). VCF-style: chr16-70282690-T-C. GRCh37 (hg19) VCF-style: chr16-70316593-T-C.
Other names: short protein forms Y25C.
Identifiers: ClinVar variation 1029358 (VCV001029358.7), dbSNP rs1300927114, ClinGen allele CA396570537.